The following is an entry in ClinVar:

ClinVar aggregate classification (germline): Uncertain significance (1 of 4 stars; one submission).

Conditions:
Gastrointestinal stromal tumor. Also called: Gastrointestinal stromal tumor, somatic; Gastrointestinal stroma tumor. Identifiers: Orphanet 44890, MedGen C0238198, MeSH D046152, MONDO:0011719, OMIM 606764, HP:0100723.

Submission:

Labcorp Genetics (formerly Invitae), Labcorp
Classification: Uncertain significance for Gastrointestinal stromal tumor. Last evaluated: 2022-03-08. Review status: criteria provided, single submitter. Criteria: Invitae Variant Classification Sherloc (09022015). Collection method: clinical testing. Allele origin: germline.
Comment: In summary, the available evidence is currently insufficient to determine the role of this variant in disease. Therefore, it has been classified as a Variant of Uncertain Significance. Algorithms developed to predict the effect of missense changes on protein structure and function are either unavailable or do not agree on the potential impact of this missense change (SIFT: "Deleterious"; PolyPhen-2: "Probably Damaging"; Align-GVGD: "Class C0"). ClinVar contains an entry for this variant (Variation ID: 1019628). This variant has not been reported in the literature in individuals affected with KIT-related conditions. This variant is not present in population databases (gnomAD no frequency). This sequence change replaces methionine, which is neutral and non-polar, with isoleucine, which is neutral and non-polar, at codon 903 of the KIT protein (p.Met903Ile).

NM_000222.3(KIT):c.2709G>A (p.Met903Ile)

Gene: KIT (KIT proto-oncogene, receptor tyrosine kinase; plus strand). Cytogenetic location: 4q12.
Variant type: single nucleotide variant.
Coding change: c.2709G>A on transcript NM_000222.3 (MANE Select); coding-DNA position 2709, G replaced by A.
Protein change: p.Met903Ile; replaces methionine 903 with isoleucine.
Molecular consequence: missense variant.
Genome position (GRCh38, 1-based): chr4:54,737,187, G>A. VCF-style: chr4-54737187-G-A. GRCh37 (hg19) VCF-style: chr4-55603353-G-A.
Other names: c.2697G>A, p.Met899Ile (NM_001093772.2, NM_001385292.1); c.2712G>A, p.Met904Ile (NM_001385284.1); c.2706G>A, p.Met902Ile (NM_001385285.1); c.2694G>A, p.Met898Ile (NM_001385286.1); c.2700G>A, p.Met900Ile (NM_001385288.1); c.2709G>A, p.Met903Ile (NM_001385290.1); short protein forms M898I, M899I, M900I, M902I, M903I, M904I.
Identifiers: ClinVar variation 1019628 (VCV001019628.9), dbSNP rs1722968263, ClinGen allele CA356914221.